The following is an entry in ClinVar:

ClinVar aggregate classification (germline): Likely benign (1 of 4 stars; one submission).

gnomAD v4.1: 1,748 of 1,611,982 alleles (0.11%); highest among the groups gnomAD compares: African/African-American, 2.1%; 20 homozygotes.

Submission:

Mayo Clinic Laboratories, Mayo Clinic
Classification: Likely benign. Last evaluated: 2025-12-14. Review status: criteria provided, single submitter. Criteria: ACMG Guidelines, 2015. Collection method: clinical testing. Allele origin: germline. Observed: 1 variant allele.
Comment: BS1

NM_003041.4(SLC5A2):c.1805C>T (p.Pro602Leu)

Genes: RUSF1 (RUS family member 1; minus strand), SLC5A2 (solute carrier family 5 member 2; plus strand). Cytogenetic location: 16p11.2.
Variant type: single nucleotide variant.
Coding change: c.1805C>T on transcript NM_003041.4 (MANE Select); coding-DNA position 1805, C replaced by T.
Protein change: p.Pro602Leu; replaces proline 602 with leucine.
Molecular consequence: missense variant. On other transcripts: 3 prime UTR variant (1), non-coding transcript variant (1).
Genome position (GRCh38, 1-based): chr16:31,490,321, C>T. VCF-style: chr16-31490321-C-T. GRCh37 (hg19) VCF-style: chr16-31501642-C-T.
Other names: p.Pro602Leu; c.*514G>A (NM_022744.4); short protein forms P602L.
Identifiers: ClinVar variation 4684093 (VCV004684093.1).